The following is an entry in ClinVar:

NM_007289.4(MME):c.56A>G (p.Lys19Arg)

Gene: MME (membrane metalloendopeptidase; plus strand). Cytogenetic location: 3q25.2.
Variant type: single nucleotide variant.
Coding change: c.56A>G on transcript NM_007289.4 (MANE Select); coding-DNA position 56, A replaced by G.
Protein change: p.Lys19Arg; replaces lysine 19 with arginine.
Molecular consequence: missense variant.
Genome position (GRCh38, 1-based): chr3:155,084,223, A>G. VCF-style: chr3-155084223-A-G. GRCh37 (hg19) VCF-style: chr3-154802012-A-G.
Other names: c.56A>G, p.Lys19Arg (NM_000902.5, NM_001354642.2, NM_001354643.1 and 3 more transcripts); short protein forms K19R.
Identifiers: ClinVar variation 1477518 (VCV001477518.6), dbSNP rs148334392, ClinGen allele CA2674997.

ClinVar aggregate classification (germline): Uncertain significance (1 of 4 stars; one submission).

Allele frequency attached by ClinVar (database versions not stated): gnomAD exomes 0.00001 and 0.00003; ExAC 0.00004; gnomAD 0.00009 and 0.00011; TOPMed 0.00009; ESP Exome Variant Server 0.00038; 1000 Genomes Project 0.00040; 1000 Genomes Project 30x 0.00047.
gnomAD v4.1: 25 of 1,614,200 alleles (0.0015%); highest among the groups gnomAD compares: African/African-American, 0.028%; no homozygotes.

Submission:

Labcorp Genetics (formerly Invitae), Labcorp
Classification: Uncertain significance. Last evaluated: 2021-12-23. Review status: criteria provided, single submitter. Criteria: Invitae Variant Classification Sherloc (09022015). Collection method: clinical testing. Allele origin: germline.
Comment: This variant has not been reported in the literature in individuals affected with MME-related conditions. This variant is present in population databases (rs148334392, gnomAD 0.03%). This sequence change replaces lysine, which is basic and polar, with arginine, which is basic and polar, at codon 19 of the MME protein (p.Lys19Arg). In summary, the available evidence is currently insufficient to determine the role of this variant in disease. Therefore, it has been classified as a Variant of Uncertain Significance. Algorithms developed to predict the effect of missense changes on protein structure and function output the following: SIFT: "Tolerated"; PolyPhen-2: "Benign"; Align-GVGD: "Class C0". The arginine amino acid residue is found in multiple mammalian species, which suggests that this missense change does not adversely affect protein function.